The following is an entry in ClinVar:

ClinVar aggregate classification (germline): Uncertain significance (1 of 4 stars; one submission).

Conditions:
COG1 congenital disorder of glycosylation (CDG2G). Also called: CONGENITAL DISORDER OF GLYCOSYLATION, TYPE IIg; CDG IIg; CDGII/COG1 CEREBROCOSTOMANDIBULAR-LIKE SYNDROME. Identifiers: Orphanet 263508, MedGen C2931011, MONDO:0012637, OMIM 611209.

Submission:

Juno Genomics, Hangzhou Juno Genomics, Inc
Classification: Uncertain significance for COG1 congenital disorder of glycosylation. Review status: criteria provided, single submitter. Criteria: ACMG Guidelines, 2015. Collection method: clinical testing. Allele origin: germline.
Comment: Absent from controls (or at extremely low frequency if recessive) in Genome Aggregation Database.;Multiple lines of computational evidence support a deleterious effect on the gene or gene product.

NM_018714.3(COG1):c.316-27G>A

Gene: COG1 (component of oligomeric golgi complex 1; plus strand). Cytogenetic location: 17q25.1.
Variant type: single nucleotide variant.
Coding change: c.316-27G>A on transcript NM_018714.3 (MANE Select); 27 bases into the intron before coding-DNA position 316, G replaced by A.
Molecular consequence: intron variant.
Genome position (GRCh38, 1-based): chr17:73,196,480, G>A. VCF-style: chr17-73196480-G-A. GRCh37 (hg19) VCF-style: chr17-71192619-G-A.
Identifiers: ClinVar variation 5019255 (VCV005019255.2).